The following is an entry in ClinVar:

NM_000138.5(FBN1):c.8173A>T (p.Lys2725Ter)

Gene: FBN1 (fibrillin 1; minus strand). Cytogenetic location: 15q21.1.
Variant type: single nucleotide variant.
Coding change: c.8173A>T on transcript NM_000138.5 (MANE Select); coding-DNA position 8173, A replaced by T.
Protein change: p.Lys2725Ter; replaces lysine 2725 with a stop codon.
Molecular consequence: nonsense.
Genome position (GRCh38, 1-based): chr15:48,412,622, T>A on the plus strand (A>T on the coding strand, the complement: FBN1 is on the minus strand). VCF-style: chr15-48412622-T-A. GRCh37 (hg19) VCF-style: chr15-48704819-T-A.
Other names: short protein forms K2725*.
Identifiers: ClinVar variation 527171 (VCV000527171.6), dbSNP rs1555393652, ClinGen allele CA392320894.

ClinVar aggregate classification (germline): Pathogenic (1 of 4 stars; one submission).

Conditions:
Familial thoracic aortic aneurysm and aortic dissection (TAAD). Also called: Thoracic aortic aneurysms and dissections. Identifiers: Orphanet 91387, MedGen C4707243, MONDO:0019625.
Marfan syndrome (MFS). Also called: Marfan syndrome type 1; Marfan syndrome, classic; Marfan's syndrome; FBN1-Related Marfan Syndrome; MARFAN SYNDROME, TYPE I. Identifiers: Orphanet 284963, Orphanet 558, MedGen C0024796, MONDO:0007947, OMIM 154700.

Submission:

Labcorp Genetics (formerly Invitae), Labcorp
Classification: Pathogenic for Marfan syndrome; Familial thoracic aortic aneurysm and aortic dissection. Last evaluated: 2023-07-07. Review status: criteria provided, single submitter. Criteria: Invitae Variant Classification Sherloc (09022015). Collection method: clinical testing. Allele origin: germline.
Comment: This sequence change creates a premature translational stop signal (p.Lys2725*) in the FBN1 gene. It is expected to result in an absent or disrupted protein product. Loss-of-function variants in FBN1 are known to be pathogenic (PMID: 17657824, 19293843). This variant is not present in population databases (gnomAD no frequency). This variant has not been reported in the literature in individuals affected with FBN1-related conditions. ClinVar contains an entry for this variant (Variation ID: 527171). For these reasons, this variant has been classified as Pathogenic.

Literature cited by the submitters: PubMed 17657824; PubMed 19293843.